The following is an entry in ClinVar:

ClinVar aggregate classification (germline): Uncertain significance (1 of 4 stars; one submission).

Conditions:
Long QT syndrome (LQTS). Identifiers: MedGen C0023976, MeSH D008133, MONDO:0002442. Disease mechanism: loss of function. Inheritance: Various modes of inheritance.

Submission:

Labcorp Genetics (formerly Invitae), Labcorp
Classification: Uncertain significance for Long QT syndrome. Last evaluated: 2022-03-08. Review status: criteria provided, single submitter. Criteria: Invitae Variant Classification Sherloc (09022015). Collection method: clinical testing. Allele origin: germline.
Comment: In summary, the available evidence is currently insufficient to determine the role of this variant in disease. Therefore, it has been classified as a Variant of Uncertain Significance. Algorithms developed to predict the effect of missense changes on protein structure and function are either unavailable or do not agree on the potential impact of this missense change (SIFT: "Deleterious"; PolyPhen-2: "Probably Damaging"; Align-GVGD: "Class C0"). This variant has not been reported in the literature in individuals affected with KCNH2-related conditions. This variant is not present in population databases (gnomAD no frequency). This sequence change replaces proline, which is neutral and non-polar, with leucine, which is neutral and non-polar, at codon 963 of the KCNH2 protein (p.Pro963Leu).

NM_000238.4(KCNH2):c.2888C>T (p.Pro963Leu)

Gene: KCNH2 (potassium voltage-gated channel subfamily H member 2; minus strand). Cytogenetic location: 7q36.1.
Variant type: single nucleotide variant.
Coding change: c.2888C>T on transcript NM_000238.4 (MANE Select); coding-DNA position 2888, C replaced by T.
Protein change: p.Pro963Leu; replaces proline 963 with leucine.
Molecular consequence: missense variant.
Genome position (GRCh38, 1-based): chr7:150,947,683, G>A on the plus strand (C>T on the coding strand, the complement: KCNH2 is on the minus strand). VCF-style: chr7-150947683-G-A. GRCh37 (hg19) VCF-style: chr7-150644771-G-A.
Other names: c.2600C>T, p.Pro867Leu (NM_001406753.1); c.1868C>T, p.Pro623Leu (NM_172057.3); short protein forms P867L, P963L, P623L.
Identifiers: ClinVar variation 1958291 (VCV001958291.5), dbSNP rs2486006996, ClinGen allele CA369853192.
Genomic context (GRCh38, chr7:150,947,683, plus strand): 5'-GTGTCGCTGCTCTTCTCGCAGTCCTCCATCAGGGGCTCCCCACCCGGCGGCTCTCCGGGG[G>A]GCCTGGGGCTGGAGAAGGGCACCAGGCGGAGGGGGCTGGAGCTGCGGCCTGGGCCCTCAT-3'
Protein context (NP_000229.1, residues 953-973): LRLVPFSSPR[Pro963Leu]PGEPPGGEPL